The following is an entry in ClinVar:

NM_000939.4(POMC):c.328G>A (p.Gly110Ser)

Gene: POMC (proopiomelanocortin; minus strand). Cytogenetic location: 2p23.3.
Variant type: single nucleotide variant.
Coding change: c.328G>A on transcript NM_000939.4 (MANE Select); coding-DNA position 328, G replaced by A.
Protein change: p.Gly110Ser; replaces glycine 110 with serine.
Molecular consequence: missense variant.
Genome position (GRCh38, 1-based): chr2:25,161,557, C>T on the plus strand (G>A on the coding strand, the complement: POMC is on the minus strand). VCF-style: chr2-25161557-C-T. GRCh37 (hg19) VCF-style: chr2-25384426-C-T.
Other names: c.328G>A, p.Gly110Ser (NM_001035256.3, NM_001319204.2, NM_001319205.2); short protein forms G110S.
Identifiers: ClinVar variation 4987640 (VCV004987640.1).
Genomic context (GRCh38, chr2:25,161,557, plus strand): 5'-GCTTGGCACCATCGCTGCGGGGCTCGGGGCCGCCCTCAGGCAGCGGGCCGCAGTCTTCGC[C>T]CGCTGAGACGTCCTCGCGCTTCTGCCCTGCGCCGCTGCTGCCGCTGCTGCTGCTGTTGCG-3'
Protein context (NP_000930.1, residues 100-120): AGQKREDVSA[Gly110Ser]EDCGPLPEGG

ClinVar aggregate classification (germline): Uncertain significance (1 of 4 stars; one submission).

Conditions:
POMC-related disorder. Also called: POMC-related condition; POMC-related disorders.

gnomAD v4.1: 2 of 1,572,702 alleles (0.00013%); highest among the groups gnomAD compares: Non-Finnish European, 0.00017%; no homozygotes.

Submission:

PreventionGenetics, part of Exact Sciences
Classification: Uncertain significance for POMC-related condition. Last evaluated: 2026-08-17. Review status: criteria provided, single submitter. Criteria: ACMG Guidelines, 2015. Collection method: clinical testing. Allele origin: germline.
Comment: The POMC c.328G>A variant is predicted to result in the amino acid substitution p.Gly110Ser. This variant was observed in a cohort of individuals with obesity, and in vitro functional studies showed this variant did not reduce protein function and could cause increased function (Supplemental Data Set 3, Shah et al. 2023. PubMed ID: 36864747). To our knowledge, this variant has not been reported in a large population database, indicating this variant is rare. At this time, the clinical significance of this variant is uncertain due to the absence of conclusive functional and genetic evidence.